The following is an entry in ClinVar:

NM_153717.3(EVC):c.933C>T (p.Ile311=)

Gene: EVC (EvC ciliary complex subunit 1; plus strand). Cytogenetic location: 4p16.2.
Variant type: single nucleotide variant.
Coding change: c.933C>T on transcript NM_153717.3 (MANE Select); coding-DNA position 933, C replaced by T.
Protein change: p.Ile311=; no amino-acid change (isoleucine 311 retained).
Molecular consequence: synonymous variant.
Genome position (GRCh38, 1-based): chr4:5,745,335, C>T. VCF-style: chr4-5745335-C-T. GRCh37 (hg19) VCF-style: chr4-5747062-C-T.
Other names: c.933C>T, p.Ile311= (NM_001306090.2, NM_001306092.2).
Identifiers: ClinVar variation 793378 (VCV000793378.37), dbSNP rs759718572, ClinGen allele CA2835911.

ClinVar aggregate classification (germline): Likely benign. Review status: criteria provided, multiple submitters, no conflicts (2 of 4 stars). 4 submissions from 4 submitters: Likely benign (3). 1 of the submissions does not count toward it. Last evaluated 2023-07-10.

Conditions:
Ellis-van Creveld syndrome (EVC). Also called: MESOECTODERMAL DYSPLASIA; Chondroectodermal dysplasia. Identifiers: Orphanet 289, MedGen C0013903, MONDO:0009162, OMIM 225500.
Curry-Hall syndrome (WAD). Also called: WEYERS ACRODENTAL DYSOSTOSIS. Identifiers: Orphanet 952, MedGen C0457013, MONDO:0008673, OMIM 193530.

Allele frequency attached by ClinVar (database versions not stated): gnomAD below 0.00001 and 0.00001; TOPMed below 0.00001.
gnomAD v4.1: 18 of 1,613,658 alleles (0.0011%); highest among the groups gnomAD compares: South Asian, 0.012%; no homozygotes.

Submissions (4):

Labcorp Genetics (formerly Invitae), Labcorp
Classification: Likely benign for Curry-Hall syndrome; Ellis-van Creveld syndrome. Last evaluated: 2023-07-10. Review status: criteria provided, single submitter. Criteria: Invitae Variant Classification Sherloc (09022015). Collection method: clinical testing. Allele origin: germline.

CeGaT Center for Human Genetics Tuebingen
Classification: Likely benign. Last evaluated: 2022-07-01. Review status: criteria provided, single submitter. Criteria: CeGaT Center For Human Genetics Tuebingen Variant Classification Criteria Version 2. Collection method: clinical testing. Allele origin: germline. Affected: yes. Observed: 1 variant allele.
Comment: EVC: BP4, BP7

Breakthrough Genomics
Classification: Likely benign. Review status: criteria provided, single submitter. Criteria: ACMG Guidelines, 2015. Collection method: not provided. Allele origin: germline. Inheritance: Autosomal recessive inheritance. Affected: yes.

Natera, Inc.
Classification: Likely benign for Ellis-van Creveld syndrome. Last evaluated: 2020-04-21. Review status: no assertion criteria provided. Collection method: clinical testing. Allele origin: germline. Not counted in ClinVar's aggregate classification.